The following is an entry in ClinVar:

NM_000264.5(PTCH1):c.2420C>A (p.Thr807Asn)

Genes: PTCH1 (patched 1; minus strand), LOC100507346 (uncharacterized LOC100507346; plus strand). Cytogenetic location: 9q22.32.
Variant type: single nucleotide variant.
Coding change: c.2420C>A on transcript NM_000264.5 (MANE Select); coding-DNA position 2420, C replaced by A.
Protein change: p.Thr807Asn; replaces threonine 807 with asparagine.
Molecular consequence: missense variant. On other transcripts: non-coding transcript variant (1).
Genome position (GRCh38, 1-based): chr9:95,467,256, G>T on the plus strand (C>A on the coding strand, the complement: PTCH1 is on the minus strand). VCF-style: chr9-95467256-G-T. GRCh37 (hg19) VCF-style: chr9-98229538-G-T.
Other names: c.2222C>A, p.Thr741Asn (NM_001083602.3); c.2417C>A, p.Thr806Asn (NM_001083603.3); c.1967C>A, p.Thr656Asn (NM_001083604.3, NM_001083605.3, NM_001083606.3 and 1 more transcripts); c.2264C>A, p.Thr755Asn (NM_001354918.2); short protein forms T755N, T741N, T807N, T656N, T806N.
Identifiers: ClinVar variation 1791011 (VCV001791011.2), dbSNP rs1840089871, ClinGen allele CA374114254.

ClinVar aggregate classification (germline): Uncertain significance (1 of 4 stars; one submission).

Conditions:
Hereditary cancer-predisposing syndrome. Also called: Hereditary Cancer Syndrome; Hereditary neoplastic syndrome; Tumor predisposition; Neoplastic Syndromes, Hereditary. Identifiers: Orphanet 140162, MedGen C0027672, MeSH D009386, MONDO:0015356.

Submission:

Ambry Genetics
Classification: Uncertain significance for Hereditary cancer-predisposing syndrome. Last evaluated: 2022-06-30. Review status: criteria provided, single submitter. Criteria: Ambry Variant Classification Scheme 2023. Collection method: clinical testing. Allele origin: germline.
Comment: The p.T807N variant (also known as c.2420C>A), located in coding exon 15 of the PTCH1 gene, results from a C to A substitution at nucleotide position 2420. The threonine at codon 807 is replaced by asparagine, an amino acid with similar properties. This amino acid position is conserved. In addition, the in silico prediction for this alteration is inconclusive. Since supporting evidence is limited at this time, the clinical significance of this alteration remains unclear.